The following is an entry in ClinVar:

ClinVar aggregate classification (germline): Uncertain significance (1 of 4 stars; one submission).

Submission:

Labcorp Genetics (formerly Invitae), Labcorp
Classification: Uncertain significance. Last evaluated: 2021-11-19. Review status: criteria provided, single submitter. Criteria: Invitae Variant Classification Sherloc (09022015). Collection method: clinical testing. Allele origin: germline.
Comment: In summary, the available evidence is currently insufficient to determine the role of this variant in disease. Therefore, it has been classified as a Variant of Uncertain Significance. Algorithms developed to predict the effect of missense changes on protein structure and function are either unavailable or do not agree on the potential impact of this missense change (SIFT: "Tolerated"; PolyPhen-2: "Possibly Damaging"; Align-GVGD: "Class C0"). This variant has not been reported in the literature in individuals affected with PRPF3-related conditions. This variant is not present in population databases (gnomAD no frequency). This sequence change replaces lysine, which is basic and polar, with asparagine, which is neutral and polar, at codon 526 of the PRPF3 protein (p.Lys526Asn).

NM_004698.4(PRPF3):c.1578G>C (p.Lys526Asn)

Gene: PRPF3 (pre-mRNA processing factor 3; plus strand). Cytogenetic location: 1q21.2.
Variant type: single nucleotide variant.
Coding change: c.1578G>C on transcript NM_004698.4 (MANE Select); coding-DNA position 1578, G replaced by C.
Protein change: p.Lys526Asn; replaces lysine 526 with asparagine.
Molecular consequence: missense variant. On other transcripts: non-coding transcript variant (4).
Genome position (GRCh38, 1-based): chr1:150,344,485, G>C. VCF-style: chr1-150344485-G-C. GRCh37 (hg19) VCF-style: chr1-150316961-G-C.
Other names: c.1173G>C, p.Lys391Asn (NM_001350529.1); short protein forms K526N, K391N.
Identifiers: ClinVar variation 1366787 (VCV001366787.6), dbSNP rs1553872370, ClinGen allele CA342283302.
Genomic context (GRCh38, chr1:150,344,485, plus strand): 5'-TCACGACAGAGCGCATGAAGAGGCCAACGCTGCCCGAAAACTCACAGCAGAACAGAGAAA[G>C]GTCAAGAAAATTAAAAAGCTTAAAGAAGACATTTCACAGGGGGTACACATATCTGTATAT-3'
Protein context (NP_004689.1, residues 516-536): AARKLTAEQR[Lys526Asn]VKKIKKLKED